The following is an entry in ClinVar:

ClinVar aggregate classification (germline): Pathogenic (1 of 4 stars; one submission).

Conditions:
Autosomal recessive nonsyndromic hearing loss 36. Also called: Deafness, autosomal recessive 36; DEAFNESS, AUTOSOMAL RECESSIVE 36, WITH VESTIBULAR INVOLVEMENT. Identifiers: Orphanet 90636, MedGen C1837007, MONDO:0012170, OMIM 609006.

Submission:

King Laboratory, University of Washington
Classification: Pathogenic for Autosomal recessive nonsyndromic hearing loss 36. Last evaluated: 2020-08-01. Review status: criteria provided, single submitter. Criteria: Abu Rayyan A et al. (Proc Natl Acad Sci U S A 2020). Collection method: research. Allele origin: germline. Affected: yes.
Comment: ESPN1 c.2081_2082del leads to a premature stop codon. It is absent from 1300 Palestinian controls and from public databases (Abu Rayyan 2020)

NM_031475.3(ESPN):c.2081_2082del (p.Ser694fs)

Gene: ESPN (espin; plus strand). Cytogenetic location: 1p36.31.
Variant type: Deletion.
Coding change: c.2081_2082del on transcript NM_031475.3 (MANE Select); coding-DNA positions 2081 to 2082, 2 bases deleted (CT; older notation c.2081_2082delCT).
Protein change: p.Ser694fs; shifts the reading frame from serine 694.
Molecular consequence: frameshift variant.
Genome position (GRCh38, 1-based): chr1:6,451,852-6,451,853, CT deleted; deleting any 2 consecutive bases within chr1:6,451,851-6,451,853 gives the same sequence; the c. name uses the placement nearest the transcript's 3' end. VCF-style (leftmost placement, unchanged base first): chr1-6451850-TTC-T. GRCh37 (hg19) VCF-style: chr1-6511910-TTC-T.
Other names: NM_031475.2:c.2081_2082delCT, p.(Ser694Cysfs*51); c.1991_1992del, p.Ser664fs (NM_001367473.1); c.2018_2019del, p.Ser673fs (NM_001367474.1); short protein forms S664fs, S673fs, S694fs.
Identifiers: ClinVar variation 1299307 (VCV001299307.2), dbSNP rs2148538836, ClinGen allele CA2499214839.